The following is an entry in ClinVar:

ClinVar aggregate classification (germline): Uncertain significance. Review status: criteria provided, single submitter (1 of 4 stars). 2 submissions from 2 submitters: Uncertain significance (1). 1 of the submissions does not count toward it. Last evaluated 2023-01-10.

Conditions:
Familial long QT syndrome (RWS). Also called: Congenital long QT syndrome; Romano-Ward syndrome; VENTRICULAR FIBRILLATION WITH PROLONGED QT INTERVAL. Identifiers: Orphanet 768, MedGen C1141890, MONDO:0019171.
Andersen Tawil syndrome (LQT7). Also called: ANDERSEN CARDIODYSRHYTHMIC PERIODIC PARALYSIS; Andersen Syndrome; Potassium-sensitive periodic paralysis, ventricular ectopy, and dysmorphic features; LONG QT SYNDROME 7; PERIODIC PARALYSIS, POTASSIUM-SENSITIVE CARDIODYSRHYTHMIC TYPE. Identifiers: Orphanet 37553, MedGen C1563715, MONDO:0008222, OMIM 170390.
Short QT syndrome type 3. Identifiers: Orphanet 51083, MedGen C1865018, MONDO:0012314, OMIM 609622.

Submissions (2):

Labcorp Genetics (formerly Invitae), Labcorp
Classification: Uncertain significance for Short QT syndrome type 3; Andersen Tawil syndrome. Last evaluated: 2023-01-10. Review status: criteria provided, single submitter. Criteria: Invitae Variant Classification Sherloc (09022015). Collection method: clinical testing. Allele origin: germline.
Comment: This sequence change replaces glycine, which is neutral and non-polar, with aspartic acid, which is acidic and polar, at codon 146 of the KCNJ2 protein (p.Gly146Asp). This variant is not present in population databases (gnomAD no frequency). This missense change has been observed in individual(s) with Andersen-Tawil syndrome (PMID: 12796536). ClinVar contains an entry for this variant (Variation ID: 67577). Advanced modeling of protein sequence and biophysical properties (such as structural, functional, and spatial information, amino acid conservation, physicochemical variation, residue mobility, and thermodynamic stability) performed at Invitae indicates that this missense variant is expected to disrupt KCNJ2 protein function. This variant disrupts the p.Gly146 amino acid residue in KCNJ2. Other variant(s) that disrupt this residue have been determined to be pathogenic (PMID: 19931173). This suggests that this residue is clinically significant, and that variants that disrupt this residue are likely to be disease-causing. In summary, the available evidence is currently insufficient to determine the role of this variant in disease. Therefore, it has been classified as a Variant of Uncertain Significance.

Cardiovascular Biomedical Research Unit, Royal Brompton & Harefield NHS Foundation Trust
No classification provided. Condition: Familial long QT syndrome. Review status: no classification provided. Collection method: literature only. Allele origin: germline. Not counted in ClinVar's aggregate classification.
Comment: This variant has been reported in the following publications (PMID:12796536).

Literature cited by the submitters: PubMed 12796536 (cited by Labcorp Genetics (formerly Invitae), Labcorp and Cardiovascular Biomedical Research Unit, Royal Brompton & Harefield NHS Foundation Trust); PubMed 19931173 (cited by Labcorp Genetics (formerly Invitae), Labcorp); PubMed 22581653 (cited by Cardiovascular Biomedical Research Unit, Royal Brompton & Harefield NHS Foundation Trust).

NM_000891.3(KCNJ2):c.437G>A (p.Gly146Asp)

Gene: KCNJ2 (potassium inwardly rectifying channel subfamily J member 2; plus strand). Cytogenetic location: 17q24.3.
Variant type: single nucleotide variant.
Coding change: c.437G>A on transcript NM_000891.3 (MANE Select); coding-DNA position 437, G replaced by A.
Protein change: p.Gly146Asp; replaces glycine 146 with aspartic acid.
Molecular consequence: missense variant.
Genome position (GRCh38, 1-based): chr17:70,175,476, G>A. VCF-style: chr17-70175476-G-A. GRCh37 (hg19) VCF-style: chr17-68171617-G-A.
Other names: c.437G>A (LRG_328t1); short protein forms G146D.
Identifiers: ClinVar variation 67577 (VCV000067577.7), dbSNP rs199473379, ClinGen allele CA329678.